The following is an entry in ClinVar:

ClinVar aggregate classification (germline): Benign/Likely benign. Review status: criteria provided, multiple submitters, no conflicts (2 of 4 stars). 3 submissions from 3 submitters: Benign (1); Likely benign (1). 1 of the submissions does not count toward it. Last evaluated 2025-06-19.

Conditions:
PKD1L1-related disorder. Also called: PKD1L1-related condition.

Allele frequency attached by ClinVar (database versions not stated): gnomAD exomes 0.00013; ExAC 0.00044; 1000 Genomes Project 30x 0.00125; gnomAD 0.00137; 1000 Genomes Project 0.00140; ESP Exome Variant Server 0.00154; TOPMed 0.00157.
gnomAD v4.1: 422 of 1,608,168 alleles (0.026%); highest among the groups gnomAD compares: African/African-American, 0.49%; 5 homozygotes.

Submissions (3):

Labcorp Genetics (formerly Invitae), Labcorp
Classification: Benign. Last evaluated: 2025-06-19. Review status: criteria provided, single submitter. Criteria: Invitae Variant Classification Sherloc (09022015). Collection method: clinical testing. Allele origin: germline.

Blueprint Genetics
Classification: Likely benign. Last evaluated: 2024-11-12. Review status: criteria provided, single submitter. Criteria: ACMG Guidelines, 2015. Collection method: clinical testing. Allele origin: germline.

PreventionGenetics, part of Exact Sciences
Classification: Likely benign for PKD1L1-related condition. Last evaluated: 2019-10-23. Review status: no assertion criteria provided. Collection method: clinical testing. Allele origin: germline. Not counted in ClinVar's aggregate classification.
Comment: This variant is classified as likely benign based on ACMG/AMP sequence variant interpretation guidelines (Richards et al. 2015 PMID: 25741868, with internal and published modifications).

NM_138295.5(PKD1L1):c.5237+10A>T

Gene: PKD1L1 (polycystin 1 like 1, transient receptor potential channel interacting; minus strand). Cytogenetic location: 7p12.3.
Variant type: single nucleotide variant.
Coding change: c.5237+10A>T on transcript NM_138295.5 (MANE Select); 10 bases into the intron after coding-DNA position 5237, A replaced by T.
Molecular consequence: intron variant.
Genome position (GRCh38, 1-based): chr7:47,844,985, T>A on the plus strand (A>T on the coding strand, the complement: PKD1L1 is on the minus strand). VCF-style: chr7-47844985-T-A. GRCh37 (hg19) VCF-style: chr7-47884583-T-A.
Other names: c.5237+10A>T (NM_138295.3).
Identifiers: ClinVar variation 2038953 (VCV002038953.7), dbSNP rs200854691, ClinGen allele CA4252896.